The following is an entry in ClinVar:

ClinVar aggregate classification (germline): Likely pathogenic. Review status: criteria provided, multiple submitters, no conflicts (2 of 4 stars). 2 submissions from 2 submitters: Likely pathogenic (2). Last evaluated 2023-07-12.

Conditions:
Cerebrooculofacioskeletal syndrome 2 (COFS2). Identifiers: MedGen C1853102, MONDO:0012553, OMIM 610756.

Submissions (2):

Baylor Genetics
Classification: Likely pathogenic for Cerebrooculofacioskeletal syndrome 2. Last evaluated: 2023-07-12. Review status: criteria provided, single submitter. Criteria: ACMG Guidelines, 2015. Collection method: clinical testing. Allele origin: unknown.

GeneDx
Classification: Likely pathogenic. Last evaluated: 2023-02-03. Review status: criteria provided, single submitter. Criteria: GeneDx Variant Classification Process June 2021. Collection method: clinical testing. Allele origin: germline. Affected: yes.
Comment: In silico analysis supports that this missense variant has a deleterious effect on protein structure/function; Not observed at significant frequency in large population cohorts (gnomAD); This variant is associated with the following publications: (PMID: 22617342, 23232694, 20633800)

NM_000400.4(ERCC2):c.2173G>A (p.Ala725Thr)

Gene: ERCC2 (ERCC excision repair 2, TFIIH core complex helicase subunit; minus strand). Cytogenetic location: 19q13.32.
Variant type: single nucleotide variant.
Coding change: c.2173G>A on transcript NM_000400.4 (MANE Select); coding-DNA position 2173, G replaced by A.
Protein change: p.Ala725Thr; replaces alanine 725 with threonine.
Molecular consequence: missense variant.
Genome position (GRCh38, 1-based): chr19:45,352,226, C>T on the plus strand (G>A on the coding strand, the complement: ERCC2 is on the minus strand). VCF-style: chr19-45352226-C-T. GRCh37 (hg19) VCF-style: chr19-45855484-C-T.
Other names: short protein forms A725T.
Identifiers: ClinVar variation 2428974 (VCV002428974.4), dbSNP rs121913018, ClinGen allele CA406360942.